The following is an entry in ClinVar:

NM_000463.3(UGT1A1):c.1024C>T (p.Pro342Ser)

Genes: UGT1A (UDP glucuronosyltransferase family 1 member A complex locus; plus strand), UGT1A1 (UDP glucuronosyltransferase family 1 member A1; plus strand), UGT1A10 (UDP glucuronosyltransferase family 1 member A10; plus strand), UGT1A3 (UDP glucuronosyltransferase family 1 member A3; plus strand), UGT1A4 (UDP glucuronosyltransferase family 1 member A4; plus strand) and 5 more. Cytogenetic location: 2q37.1.
Variant type: single nucleotide variant.
Coding change: c.1024C>T on transcript NM_000463.3 (MANE Select); coding-DNA position 1024, C replaced by T.
Protein change: p.Pro342Ser; replaces proline 342 with serine.
Molecular consequence: missense variant.
Genome position (GRCh38, 1-based): chr2:233,767,876, C>T. VCF-style: chr2-233767876-C-T. GRCh37 (hg19) VCF-style: chr2-234676522-C-T.
Other names: c.1015C>T, p.Pro339Ser (NM_019077.3, NM_021027.3, NM_019075.4 and 1 more transcripts); c.1021C>T, p.Pro341Ser (NM_001072.4); c.220C>T, p.Pro74Ser (NM_205862.3); c.1027C>T, p.Pro343Ser (NM_019078.2, NM_007120.3, NM_019093.4); short protein forms P341S, P343S, P342S, P74S, P339S.
Identifiers: ClinVar variation 2172618 (VCV002172618.5), dbSNP rs773195449, ClinGen allele CA351072916.

ClinVar aggregate classification (germline): Uncertain significance. Review status: criteria provided, multiple submitters, no conflicts (2 of 4 stars). 2 submissions from 2 submitters: Uncertain significance (2). Last evaluated 2026-09-11.

Conditions:
UGT1A1-related disorder. Also called: UGT1A1-related disorders; UGT1A1-related condition.

gnomAD v4.1: 2 of 1,614,178 alleles (0.00012%); highest among the groups gnomAD compares: Admixed American, 0.0033%; no homozygotes.

Submissions (2):

PreventionGenetics, part of Exact Sciences
Classification: Uncertain significance for UGT1A1-related condition. Last evaluated: 2026-09-11. Review status: criteria provided, single submitter. Criteria: ACMG Guidelines, 2015. Collection method: clinical testing. Allele origin: germline.
Comment: The UGT1A1 c.1024C>T variant is predicted to result in the amino acid substitution p.Pro342Ser. To our knowledge, this variant has not been reported in the literature. This variant is reported in 0.0058% of alleles in individuals of Latino descent in gnomAD. At this time, the clinical significance of this variant is uncertain due to the absence of conclusive functional and genetic evidence.

Labcorp Genetics (formerly Invitae), Labcorp
Classification: Uncertain significance. Last evaluated: 2024-10-16. Review status: criteria provided, single submitter. Criteria: Invitae Variant Classification Sherloc (09022015). Collection method: clinical testing. Allele origin: germline.
Comment: This sequence change replaces proline, which is neutral and non-polar, with serine, which is neutral and polar, at codon 342 of the UGT1A1 protein (p.Pro342Ser). This variant is present in population databases (no rsID available, gnomAD 0.006%). This variant has not been reported in the literature in individuals affected with UGT1A1-related conditions. ClinVar contains an entry for this variant (Variation ID: 2172618). Invitae Evidence Modeling of protein sequence and biophysical properties (such as structural, functional, and spatial information, amino acid conservation, physicochemical variation, residue mobility, and thermodynamic stability) has been performed for this missense variant. However, the output from this modeling did not meet the statistical confidence thresholds required to predict the impact of this variant on UGT1A1 protein function. In summary, the available evidence is currently insufficient to determine the role of this variant in disease. Therefore, it has been classified as a Variant of Uncertain Significance.